The following is an entry in ClinVar:

NM_002470.4(MYH3):c.1642T>A (p.Ser548Thr)

Gene: MYH3 (myosin heavy chain 3; minus strand). Cytogenetic location: 17p13.1.
Variant type: single nucleotide variant.
Coding change: c.1642T>A on transcript NM_002470.4 (MANE Select); coding-DNA position 1642, T replaced by A.
Protein change: p.Ser548Thr; replaces serine 548 with threonine.
Molecular consequence: missense variant.
Genome position (GRCh38, 1-based): chr17:10,642,663, A>T on the plus strand (T>A on the coding strand, the complement: MYH3 is on the minus strand). VCF-style: chr17-10642663-A-T. GRCh37 (hg19) VCF-style: chr17-10545980-A-T.
Other names: c.1642T>A (NM_002470.3); short protein forms S548T.
Identifiers: ClinVar variation 2956914 (VCV002956914.4), dbSNP rs772077205, ClinGen allele CA287787897.

ClinVar aggregate classification (germline): Uncertain significance. Review status: criteria provided, multiple submitters, no conflicts (2 of 4 stars). 2 submissions from 2 submitters: Uncertain significance (2). Last evaluated 2025-04-28.

Conditions:
Inborn genetic diseases. Identifiers: MedGen C0950123, MeSH D030342.

Allele frequency attached by ClinVar (database versions not stated): TOPMed 0.00001; gnomAD 0.00001.
gnomAD v4.1: 10 of 1,614,096 alleles (0.00062%); highest among the groups gnomAD compares: Non-Finnish European, 0.00085%; no homozygotes.

Submissions (2):

Labcorp Genetics (formerly Invitae), Labcorp
Classification: Uncertain significance. Last evaluated: 2025-04-28. Review status: criteria provided, single submitter. Criteria: Invitae Variant Classification Sherloc (09022015). Collection method: clinical testing. Allele origin: germline.
Comment: This sequence change replaces serine, which is neutral and polar, with threonine, which is neutral and polar, at codon 548 of the MYH3 protein (p.Ser548Thr). This variant is present in population databases (rs772077205, gnomAD 0.0009%). This variant has not been reported in the literature in individuals affected with MYH3-related conditions. ClinVar contains an entry for this variant (Variation ID: 2956914). Invitae Evidence Modeling of protein sequence and biophysical properties (such as structural, functional, and spatial information, amino acid conservation, physicochemical variation, residue mobility, and thermodynamic stability) indicates that this missense variant is not expected to disrupt MYH3 protein function with a negative predictive value of 95%. In summary, the available evidence is currently insufficient to determine the role of this variant in disease. Therefore, it has been classified as a Variant of Uncertain Significance.

Ambry Genetics
Classification: Uncertain significance for Inborn genetic diseases. Last evaluated: 2025-02-22. Review status: criteria provided, single submitter. Criteria: Ambry Variant Classification Scheme 2023. Collection method: clinical testing. Allele origin: germline.